The following is an entry in ClinVar:

NM_002905.5(RDH5):c.739A>C (p.Lys247Gln)

Genes: BLOC1S1-RDH5 (BLOC1S1-RDH5 readthrough; plus strand), CD63 (CD63 molecule; minus strand), RDH5 (retinol dehydrogenase 5; plus strand). Cytogenetic location: 12q13.2.
Variant type: single nucleotide variant.
Coding change: c.739A>C on transcript NM_002905.5 (MANE Select); coding-DNA position 739, A replaced by C.
Protein change: p.Lys247Gln; replaces lysine 247 with glutamine.
Molecular consequence: missense variant. On other transcripts: non-coding transcript variant (1), 3 prime UTR variant (2).
Genome position (GRCh38, 1-based): chr12:55,724,327, A>C. VCF-style: chr12-55724327-A-C. GRCh37 (hg19) VCF-style: chr12-56118111-A-C.
Other names: c.739A>C, p.Lys247Gln (NM_001199771.3); c.*737T>G (NM_001413284.1); c.*752T>G (NM_001413285.1); short protein forms K247Q.
Identifiers: ClinVar variation 1995506 (VCV001995506.4), dbSNP rs765110211, ClinGen allele CA6616946.

ClinVar aggregate classification (germline): Uncertain significance (1 of 4 stars; one submission).

Allele frequency attached by ClinVar (database versions not stated): TOPMed below 0.00001; ExAC 0.00001; gnomAD exomes below 0.00001.
gnomAD v4.1: 2 of 1,614,190 alleles (0.00012%); highest among the groups gnomAD compares: Admixed American, 0.0033%; no homozygotes.

Submission:

Labcorp Genetics (formerly Invitae), Labcorp
Classification: Uncertain significance. Last evaluated: 2022-05-17. Review status: criteria provided, single submitter. Criteria: Invitae Variant Classification Sherloc (09022015). Collection method: clinical testing. Allele origin: germline.
Comment: This sequence change replaces lysine, which is basic and polar, with glutamine, which is neutral and polar, at codon 247 of the RDH5 protein (p.Lys247Gln). This variant is present in population databases (rs765110211, gnomAD 0.006%). This variant has not been reported in the literature in individuals affected with RDH5-related conditions. Algorithms developed to predict the effect of missense changes on protein structure and function output the following: SIFT: "Tolerated"; PolyPhen-2: "Benign"; Align-GVGD: "Class C0". The glutamine amino acid residue is found in multiple mammalian species, which suggests that this missense change does not adversely affect protein function. In summary, the available evidence is currently insufficient to determine the role of this variant in disease. Therefore, it has been classified as a Variant of Uncertain Significance.